The following is an entry in ClinVar:

ClinVar aggregate classification (germline): other (0 of 4 stars; one submission).

Conditions:
Familial colorectal cancer. Identifiers: MedGen CN280943, MONDO:0023113. Disease mechanism: loss of function.

Submission:

Systems Biology Platform Zhejiang California International NanoSystems Institute
Classification: other for Familial colorectal cancer. Review status: no assertion criteria provided. Collection method: not provided. Allele origin: unknown.
ClinVar note: Converted during submission from cancer to other.

NM_000038.6(APC):c.933+81A>C

Gene: APC (APC regulator of WNT signaling pathway; plus strand). Cytogenetic location: 5q22.2.
Variant type: single nucleotide variant.
Coding change: c.933+81A>C on transcript NM_000038.6 (MANE Select); 81 bases into the intron after coding-DNA position 933, A replaced by C.
Molecular consequence: intron variant.
Genome position (GRCh38, 1-based): chr5:112,815,674, A>C. VCF-style: chr5-112815674-A-C. GRCh37 (hg19) VCF-style: chr5-112151371-A-C.
Other names: c.933+81A>C (NM_001354895.2, NM_001127510.3, NM_001354896.2 and 1 more transcripts); c.963+81A>C (NM_001354897.2, NM_001354902.2); c.879+81A>C (NM_001127511.3); c.858+81A>C (NM_001354898.2, NM_001354904.2); c.84+81A>C (NM_001354906.2); c.849+81A>C (NM_001354899.2); c.756+81A>C (NM_001354900.2, NM_001354901.2, NM_001354905.2).
Identifiers: ClinVar variation 82557 (VCV000082557.2), dbSNP rs76528895, ClinGen allele CA015773.
Genomic context (GRCh38, chr5:112,815,674, plus strand): 5'-CTGGTCACTAATGCCATGACTACTTTGCTAAGACATTCTTGGCCAGGTGCAGTGGCTCAC[A>C]CCTGTAATCCCAGCATTTTGGGAGGCCAAGGCAGGTGGATCACTTGAGGCCAGGAGTTCA-3'